The following is an entry in ClinVar:

NM_001378457.1(DMXL2):c.1618-10T>A

Gene: DMXL2 (Dmx like 2; minus strand). Cytogenetic location: 15q21.2.
Variant type: single nucleotide variant.
Coding change: c.1618-10T>A on transcript NM_001378457.1 (MANE Select); 10 bases into the intron before coding-DNA position 1618, T replaced by A.
Molecular consequence: intron variant.
Genome position (GRCh38, 1-based): chr15:51,536,872, A>T on the plus strand (T>A on the coding strand, the complement: DMXL2 is on the minus strand). VCF-style: chr15-51536872-A-T. GRCh37 (hg19) VCF-style: chr15-51829069-A-T.
Other names: c.1618-10T>A (NM_001378460.1, NM_001174117.3, NM_015263.5 and 6 more transcripts); c.1378-10T>A (NM_001378464.1).
Identifiers: ClinVar variation 3663008 (VCV003663008.3).
Genomic context (GRCh38, chr15:51,536,872, plus strand): 5'-GCTTGCATCACCAGAGGGAAATGCAACAGGAATCCGAGAAGAAAAAGAAACCTGAAAAAC[A>T]TAATTATATGATTCAGTGCAAATAGTTTACCTCCTCTCAAAAAAAAGACTTCTATTCTCA-3'

ClinVar aggregate classification (germline): Uncertain significance. Review status: criteria provided, multiple submitters, no conflicts (2 of 4 stars). 2 submissions from 2 submitters: Uncertain significance (2). Last evaluated 2025-09-29.

Submissions (2):

GeneDx
Classification: Uncertain significance. Last evaluated: 2025-09-29. Review status: criteria provided, single submitter. Criteria: GeneDx Variant Classification Process June 2021. Collection method: clinical testing. Allele origin: germline. Affected: yes.
Comment: Not observed at significant frequency in large population cohorts (gnomAD); In silico analysis supports a deleterious effect on splicing; Has not been previously published as pathogenic or benign to our knowledge

Labcorp Genetics (formerly Invitae), Labcorp
Classification: Uncertain significance. Last evaluated: 2024-10-01. Review status: criteria provided, single submitter. Criteria: Invitae Variant Classification Sherloc (09022015). Collection method: clinical testing. Allele origin: germline.
Comment: This sequence change falls in intron 11 of the DMXL2 gene. It does not directly change the encoded amino acid sequence of the DMXL2 protein. This variant is not present in population databases (gnomAD no frequency). This variant has not been reported in the literature in individuals affected with DMXL2-related conditions. Algorithms developed to predict the effect of sequence changes on RNA splicing suggest that this variant may disrupt the consensus splice site. In summary, the available evidence is currently insufficient to determine the role of this variant in disease. Therefore, it has been classified as a Variant of Uncertain Significance.